The following is an entry in ClinVar:

ClinVar aggregate classification (germline): Likely benign (1 of 4 stars; one submission).

gnomAD v4.1: 29 of 1,612,974 alleles (0.0018%); highest among the groups gnomAD compares: Non-Finnish European, 0.0018%; no homozygotes.

Submission:

CeGaT Center for Human Genetics Tuebingen
Classification: Likely benign. Last evaluated: 2026-07-01. Review status: criteria provided, single submitter. Criteria: CeGaT Center For Human Genetics Tuebingen Variant Classification Criteria Version 2. Collection method: clinical testing. Allele origin: germline. Affected: yes. Observed: 1 variant allele.
Comment: HECTD4: BP4, BP7

NM_001388303.1(HECTD4):c.11559G>A (p.Ala3853=)

Gene: HECTD4 (HECT domain E3 ubiquitin protein ligase 4; minus strand). Cytogenetic location: 12q24.13.
Variant type: single nucleotide variant.
Coding change: c.11559G>A on transcript NM_001388303.1 (MANE Select); coding-DNA position 11559, G replaced by A.
Protein change: p.Ala3853=; no amino-acid change (alanine 3853 retained).
Molecular consequence: synonymous variant.
Genome position (GRCh38, 1-based): chr12:112,175,771, C>T on the plus strand (G>A on the coding strand, the complement: HECTD4 is on the minus strand). VCF-style: chr12-112175771-C-T. GRCh37 (hg19) VCF-style: chr12-112613575-C-T.
Other names: c.11589G>A, p.Ala3863= (NM_001109662.4).
Identifiers: ClinVar variation 5039360 (VCV005039360.1).